The following is an entry in ClinVar:

NM_020831.6(MRTFA):c.3053T>C (p.Leu1018Pro)

Gene: MRTFA (myocardin related transcription factor A; minus strand). Cytogenetic location: 22q13.1.
Variant type: single nucleotide variant.
Coding change: c.3053T>C on transcript NM_020831.6 (MANE Select); coding-DNA position 3053, T replaced by C.
Protein change: p.Leu1018Pro; replaces leucine 1018 with proline.
Molecular consequence: missense variant. On other transcripts: 3 prime UTR variant (1).
Genome position (GRCh38, 1-based): chr22:40,411,433, A>G on the plus strand (T>C on the coding strand, the complement: MRTFA is on the minus strand). VCF-style: chr22-40411433-A-G. GRCh37 (hg19) VCF-style: chr22-40807437-A-G.
Other names: c.2753T>C, p.Leu918Pro (NM_001282660.2); c.2903T>C, p.Leu968Pro (NM_001282661.3); c.*366T>C (NM_001282662.3); c.2858T>C, p.Leu953Pro (NM_001318139.2); short protein forms L918P, L953P, L1018P, L968P.
Identifiers: ClinVar variation 4775453 (VCV004775453.1).
Genomic context (GRCh38, chr22:40,411,433, plus strand): 5'-CGTCTTGAGCCAGAGAGCTACAAGCAGGAATCCCAGTGCAGCTGCAAATCATGGCCATCG[A>G]GGAAGTCTGTGGAGAAGAGGCTGGGGGCTGTGGTGCTGAGGGGGGCTAGGCTCAGCACGG-3'
Protein context (NP_065882.2, residues 1008-1028): TAPSLFSTDF[Leu1018Pro]DGHDLQLHWD

ClinVar aggregate classification (germline): Uncertain significance (1 of 4 stars; one submission).

gnomAD v4.1: 34 of 1,582,694 alleles (0.0021%); highest among the groups gnomAD compares: Non-Finnish European, 0.0028%; no homozygotes.

Submission:

Labcorp Genetics (formerly Invitae), Labcorp
Classification: Uncertain significance. Last evaluated: 2025-04-27. Review status: criteria provided, single submitter. Criteria: Invitae Variant Classification Sherloc (09022015). Collection method: clinical testing. Allele origin: germline.
Comment: This sequence change replaces leucine, which is neutral and non-polar, with proline, which is neutral and non-polar, at codon 918 of the MKL1 protein (p.Leu918Pro). This variant is present in population databases (rs779739798, gnomAD 0.007%). This variant has not been reported in the literature in individuals affected with MKL1-related conditions. An algorithm developed to predict the effect of missense changes on protein structure and function (PolyPhen-2) suggests that this variant is likely to be disruptive. In summary, the available evidence is currently insufficient to determine the role of this variant in disease. Therefore, it has been classified as a Variant of Uncertain Significance.